The following is an entry in ClinVar:

NM_000092.5(COL4A4):c.3309A>C (p.Gly1103=)

Gene: COL4A4 (collagen type IV alpha 4 chain; minus strand). Cytogenetic location: 2q36.3.
Variant type: single nucleotide variant.
Coding change: c.3309A>C on transcript NM_000092.5 (MANE Select); coding-DNA position 3309, A replaced by C.
Protein change: p.Gly1103=; no amino-acid change (glycine 1103 retained).
Molecular consequence: synonymous variant.
Genome position (GRCh38, 1-based): chr2:227,043,165, T>G on the plus strand (A>C on the coding strand, the complement: COL4A4 is on the minus strand). VCF-style: chr2-227043165-T-G. GRCh37 (hg19) VCF-style: chr2-227907881-T-G.
Identifiers: ClinVar variation 1706976 (VCV001706976.5), dbSNP rs2473719695, ClinGen allele CA431498751.

ClinVar aggregate classification (germline): Conflicting classifications of pathogenicity. Review status: criteria provided, conflicting classifications (1 of 4 stars). 2 submissions from 2 submitters: Uncertain significance (1); Likely benign (1). Last evaluated 2023-02-09.

Submissions (2):

Labcorp Genetics (formerly Invitae), Labcorp
Classification: Likely benign. Last evaluated: 2023-02-09. Review status: criteria provided, single submitter. Criteria: Invitae Variant Classification Sherloc (09022015). Collection method: clinical testing. Allele origin: germline.

GeneDx
Classification: Uncertain significance. Last evaluated: 2022-03-20. Review status: criteria provided, single submitter. Criteria: GeneDx Variant Classification Process June 2021. Collection method: clinical testing. Allele origin: germline. Affected: yes.
Comment: Not observed at significant frequency in large population cohorts (gnomAD); In silico analysis supports that this variant does not alter splicing; Has not been previously published as pathogenic or benign to our knowledge